The following is an entry in ClinVar:

NM_023110.3(FGFR1):c.1592A>G (p.Glu531Gly)

Gene: FGFR1 (fibroblast growth factor receptor 1; minus strand). Cytogenetic location: 8p11.23.
Variant type: single nucleotide variant.
Coding change: c.1592A>G on transcript NM_023110.3 (MANE Select); coding-DNA position 1592, A replaced by G.
Protein change: p.Glu531Gly; replaces glutamic acid 531 with glycine.
Molecular consequence: missense variant.
Genome position (GRCh38, 1-based): chr8:38,417,377, T>C on the plus strand (A>G on the coding strand, the complement: FGFR1 is on the minus strand). VCF-style: chr8-38417377-T-C. GRCh37 (hg19) VCF-style: chr8-38274895-T-C.
Other names: c.1586A>G, p.Glu529Gly (NM_001174063.2, NM_001174065.2, NM_001354367.2 and 1 more transcripts); c.1562A>G, p.Glu521Gly (NM_001174064.2); c.1325A>G, p.Glu442Gly (NM_001174066.2, NM_023105.3); c.1685A>G, p.Glu562Gly (NM_001174067.2); c.1313A>G, p.Glu438Gly (NM_001354368.2); c.1580A>G, p.Glu527Gly (NM_001354369.2); c.1319A>G, p.Glu440Gly (NM_001354370.2, NM_023106.3); short protein forms E442G, E527G, E529G, E440G, E521G, E438G, E531G, E562G.
Identifiers: ClinVar variation 949809 (VCV000949809.2), dbSNP rs1817052708, ClinGen allele CA370732299.

ClinVar aggregate classification (germline): Likely pathogenic (1 of 4 stars; one submission).

Conditions:
Pfeiffer syndrome (ACS5). Also called: ACS V. Identifiers: Orphanet 710, MedGen C0220658, MONDO:0007043, OMIM 101600.
Hypogonadotropic hypogonadism 2 with or without anosmia (HH2). Also called: HYPOGONADOTROPIC HYPOGONADISM 2 WITHOUT ANOSMIA; HYPOGONADOTROPIC HYPOGONADISM 2 WITH OR WITHOUT ANOSMIA, SUSCEPTIBILITY TO; HYPOGONADOTROPIC HYPOGONADISM 2 WITHOUT ANOSMIA, SUSCEPTIBILITY TO; FGFR1-Related GnRH Deficiency (Kallmann Syndrome 2). Identifiers: Orphanet 478, MedGen C1563720, MONDO:0007844, OMIM 147950. Disease mechanism: loss of function.

Submission:

Labcorp Genetics (formerly Invitae), Labcorp
Classification: Likely pathogenic for Pfeiffer syndrome; Hypogonadotropic hypogonadism 2 with or without anosmia. Last evaluated: 2019-08-13. Review status: criteria provided, single submitter. Criteria: Invitae Variant Classification Sherloc (09022015). Collection method: clinical testing. Allele origin: germline.
Comment: This sequence change replaces glutamic acid with glycine at codon 531 of the FGFR1 protein (p.Glu531Gly). The glutamic acid residue is highly conserved and there is a moderate physicochemical difference between glutamic acid and glycine. This variant is not present in population databases (ExAC no frequency). This variant has been observed in individual(s) with clinical features of Hartsfield syndrome (Invitae). In at least one individual the variant was observed to be de novo. Algorithms developed to predict the effect of missense changes on protein structure and function (SIFT, PolyPhen-2, Align-GVGD) all suggest that this variant is likely to be disruptive, but these predictions have not been confirmed by published functional studies and their clinical significance is uncertain. In summary, the currently available evidence indicates that the variant is pathogenic, but additional data are needed to prove that conclusively. Therefore, this variant has been classified as Likely Pathogenic.